The following is an entry in ClinVar:

ClinVar aggregate classification (germline): Benign. Review status: criteria provided, multiple submitters, no conflicts (2 of 4 stars). 12 submissions from 10 submitters: Benign (9). 3 of the submissions do not count toward it. Last evaluated 2022-03-24.

Conditions:
Myopathy, congenital, with tremor. Also called: CONGENITAL MYOPATHY 16; myogenic tremor. Identifiers: MedGen C5231401, MONDO:0032797, OMIM 618524.
Lethal congenital contracture syndrome 4 (LCCS4). Identifiers: MedGen C3554046, MONDO:0013965, OMIM 614915.
Arthrogryposis, distal, type 1B. Identifiers: Orphanet 1146, MedGen C3280526, MONDO:0013698, OMIM 614335.

Allele frequency attached by ClinVar (database versions not stated): gnomAD 0.95112 and 0.95273; TOPMed 0.95287; gnomAD exomes 0.95773 and 0.95177; 1000 Genomes Project 0.96446; ExAC 0.95421; ESP Exome Variant Server 0.94995; 1000 Genomes Project 30x 0.96299.
gnomAD v4.1: 1,536,418 of 1,613,850 alleles (95%); highest among the groups gnomAD compares: East Asian, 100%; 731,518 homozygotes.

Submissions (12):

Mayo Clinic Laboratories, Mayo Clinic
Classification: Benign. Last evaluated: 2022-03-24. Review status: criteria provided, single submitter. Criteria: ACMG Guidelines, 2015. Collection method: clinical testing. Allele origin: germline. Observed: 286 variant alleles.

Genome-Nilou Lab
Classification: Benign for Arthrogryposis, distal, type 1B. Last evaluated: 2021-09-05. Review status: criteria provided, single submitter. Criteria: ACMG Guidelines, 2015. Collection method: clinical testing. Allele origin: germline. Affected: no.

Genome-Nilou Lab
Classification: Benign for Lethal congenital contracture syndrome 4. Last evaluated: 2021-09-05. Review status: criteria provided, single submitter. Criteria: ACMG Guidelines, 2015. Collection method: clinical testing. Allele origin: germline. Affected: no.

Genome-Nilou Lab
Classification: Benign for Myopathy, congenital, with tremor. Last evaluated: 2021-09-05. Review status: criteria provided, single submitter. Criteria: ACMG Guidelines, 2015. Collection method: clinical testing. Allele origin: germline. Affected: no.

GeneDx
Classification: Benign. Last evaluated: 2018-11-12. Review status: criteria provided, single submitter. Criteria: GeneDx Variant Classification Process June 2021. Collection method: clinical testing. Allele origin: germline. Affected: yes.

Illumina Laboratory Services, Illumina
Classification: Benign for Arthrogryposis, distal, type 1B. Last evaluated: 2018-01-12. Review status: criteria provided, single submitter. Criteria: ICSL Variant Classification Criteria 13 December 2019. Collection method: clinical testing. Allele origin: germline.
Comment: This variant was observed in the ICSL laboratory as part of a predisposition screen in an ostensibly healthy population. It had not been previously curated by ICSL or reported in the Human Gene Mutation Database (HGMD: prior to June 1st, 2018), and was therefore a candidate for classification through an automated scoring system. Utilizing variant allele frequency, disease prevalence and penetrance estimates, and inheritance mode, an automated score was calculated to assess if this variant is too frequent to cause the disease. Based on the score and internal cut-off values, a variant classified as benign is not then subjected to further curation. The score for this variant resulted in a classification of benign for this disease.

Genetic Services Laboratory, University of Chicago
Classification: Benign for AllHighlyPenetrant. Last evaluated: 2013-08-15. Review status: criteria provided, single submitter. Criteria: ACMG Guidelines, 2007. Collection method: clinical testing. Allele origin: germline. Inheritance: Autosomal recessive inheritance.

Breakthrough Genomics
Classification: Benign. Review status: criteria provided, single submitter. Criteria: ACMG Guidelines, 2015. Collection method: not provided. Allele origin: germline. Inheritance: Autosomal recessive inheritance. Affected: yes.

PreventionGenetics, part of Exact Sciences
Classification: Benign. Review status: criteria provided, single submitter. Criteria: ACMG Guidelines, 2015. Collection method: clinical testing. Allele origin: germline.

Clinical Genetics, Academic Medical Center
Classification: Benign. Review status: no assertion criteria provided. Collection method: clinical testing. Allele origin: germline. Affected: yes. Study: VKGL Data-share Consensus. Not counted in ClinVar's aggregate classification.

Diagnostic Laboratory, Department of Genetics, University Medical Center Groningen
Classification: Benign. Review status: no assertion criteria provided. Collection method: clinical testing. Allele origin: germline. Affected: yes. Study: VKGL Data-share Consensus. Not counted in ClinVar's aggregate classification.

Joint Genome Diagnostic Labs from Nijmegen and Maastricht, Radboudumc and MUMC+
Classification: Benign. Review status: no assertion criteria provided. Collection method: clinical testing. Allele origin: germline. Affected: yes. Study: VKGL Data-share Consensus. Not counted in ClinVar's aggregate classification.

NM_002465.4(MYBPC1):c.2544T>C (p.Ile848=)

Gene: MYBPC1 (myosin binding protein C1; plus strand). Cytogenetic location: 12q23.2.
Variant type: single nucleotide variant.
Coding change: c.2544T>C on transcript NM_002465.4 (MANE Select); coding-DNA position 2544, T replaced by C.
Protein change: p.Ile848=; no amino-acid change (isoleucine 848 retained).
Molecular consequence: synonymous variant.
Genome position (GRCh38, 1-based): chr12:101,670,340, T>C. VCF-style: chr12-101670340-T-C. GRCh37 (hg19) VCF-style: chr12-102064118-T-C.
Other names: p.Ile848=; c.2523T>C, p.Ile841= (NM_001254718.3, NM_206820.4); c.2469T>C, p.Ile823= (NM_001254719.3, NM_206821.4); c.2433T>C, p.Ile811= (NM_001254720.3); c.2412T>C, p.Ile804= (NM_001254721.3, NM_001404676.1, NM_001404678.1); c.2391T>C, p.Ile797= (NM_001254722.3, NM_001404680.1); c.2430T>C, p.Ile810= (NM_001254723.3); c.2544T>C, p.Ile848= (NM_001404675.1, NM_206819.4); and 1 more.
Identifiers: ClinVar variation 129644 (VCV000129644.22), dbSNP rs7139095, ClinGen allele CA153766.
Genomic context (GRCh38, chr12:101,670,340, plus strand): 5'-CCAGACTGATTGCAAAATTGTGCTATTTTACCCTCTCTCAGAACCTCCAAAGATTCGCAT[T>C]CCAAGACACCTGAAGCAAACCTATATCCGCAGAGTTGGAGAAGCTGTCAATCTGGTTATA-3'
Protein context (NP_002456.2, residues 838-858): KEIIEPPKIR[Ile848=]PRHLKQTYIR